The following is an entry in ClinVar:

NM_000059.4(BRCA2):c.4602T>A (p.Ile1534=)

Gene: BRCA2 (BRCA2 DNA repair associated; plus strand). Cytogenetic location: 13q13.1.
Variant type: single nucleotide variant.
Coding change: c.4602T>A on transcript NM_000059.4 (MANE Select); coding-DNA position 4602, T replaced by A.
Protein change: p.Ile1534=; no amino-acid change (isoleucine 1534 retained).
Molecular consequence: synonymous variant.
Genome position (GRCh38, 1-based): chr13:32,338,957, T>A. VCF-style: chr13-32338957-T-A. GRCh37 (hg19) VCF-style: chr13-32913094-T-A.
Other names: c.4602T>A (NM_000059.3).
Identifiers: ClinVar variation 1638639 (VCV001638639.9), dbSNP rs2137508164, ClinGen allele CA483438064.

ClinVar aggregate classification (germline): Conflicting classifications of pathogenicity. Review status: criteria provided, conflicting classifications (1 of 4 stars). 3 submissions from 3 submitters: Uncertain significance (1); Likely benign (2). Last evaluated 2025-09-18.

Conditions:
Hereditary cancer-predisposing syndrome. Also called: Hereditary Cancer Syndrome; Neoplastic Syndromes, Hereditary; Tumor predisposition; Hereditary neoplastic syndrome. Identifiers: Orphanet 140162, MedGen C0027672, MeSH D009386, MONDO:0015356.
Hereditary breast ovarian cancer syndrome. Also called: Hereditary breast and/or ovarian cancer syndrome; Hereditary breast and ovarian cancer syndrome (HBOC); Breast and ovarian cancer; Hereditary breast and ovarian cancer syndrome; BRCA1- and BRCA2-Associated Hereditary Breast and Ovarian Cancer; Hereditary breast and ovarian cancer. Identifiers: Orphanet 145, MedGen C0677776, MeSH D061325, MONDO:0003582. Disease mechanism: loss of function.

Submissions (3):

Color Diagnostics, LLC DBA Color Health
Classification: Likely benign for Hereditary cancer-predisposing syndrome. Last evaluated: 2025-09-18. Review status: criteria provided, single submitter. Criteria: ACMG Guidelines, 2015. Collection method: clinical testing. Allele origin: germline.

Labcorp Genetics (formerly Invitae), Labcorp
Classification: Likely benign for Hereditary breast ovarian cancer syndrome. Last evaluated: 2025-02-17. Review status: criteria provided, single submitter. Criteria: Invitae Variant Classification Sherloc (09022015). Collection method: clinical testing. Allele origin: germline.

Quest Diagnostics Nichols Institute San Juan Capistrano
Classification: Uncertain significance. Last evaluated: 2023-06-09. Review status: criteria provided, single submitter. Criteria: Quest Diagnostics criteria. Collection method: clinical testing. Allele origin: unknown.
Comment: To the best of our knowledge, this variant has not been reported in the published literature. It also has not been reported in large, multi-ethnic general populations (Genome Aggregation Database). Analysis of this variant using software algorithms for the prediction of the effect of nucleotide changes on splicing yielded predictions that this variant does not affect BRCA2 mRNA splicing . Based on the available information, we are unable to determine the clinical significance of this variant.